The following is an entry in ClinVar:

ClinVar aggregate classification (germline): Uncertain significance (1 of 4 stars; one submission).

Conditions:
Kleefstra syndrome 2 (KLEFS2). Identifiers: MedGen C4540395, MONDO:0054701, OMIM 617768.

Submission:

Laboratorio de Genetica e Diagnostico Molecular, Hospital Israelita Albert Einstein
Classification: Uncertain significance for Kleefstra syndrome 2. Last evaluated: 2024-04-22. Review status: criteria provided, single submitter. Criteria: ACMG Guidelines, 2015. Collection method: clinical testing. Allele origin: germline. Affected: yes.
Comment: ACMG classification criteria: PM2 supporting, PP2 supporting, BP4 supporting

NM_170606.3(KMT2C):c.292G>A (p.Val98Met)

Gene: KMT2C (lysine methyltransferase 2C; minus strand). Cytogenetic location: 7q36.1.
Variant type: single nucleotide variant.
Coding change: c.292G>A on transcript NM_170606.3 (MANE Select); coding-DNA position 292, G replaced by A.
Protein change: p.Val98Met; replaces valine 98 with methionine.
Molecular consequence: missense variant.
Genome position (GRCh38, 1-based): chr7:152,330,698, C>T on the plus strand (G>A on the coding strand, the complement: KMT2C is on the minus strand). VCF-style: chr7-152330698-C-T. GRCh37 (hg19) VCF-style: chr7-152027783-C-T.
Other names: short protein forms V98M.
Identifiers: ClinVar variation 4056559 (VCV004056559.1).